The following is an entry in ClinVar:

NM_201548.5(CERKL):c.1255G>A (p.Ala419Thr)

Gene: CERKL (CERK like autophagy regulator; minus strand). Cytogenetic location: 2q31.3.
Variant type: single nucleotide variant.
Coding change: c.1255G>A on transcript NM_201548.5 (MANE Select); coding-DNA position 1255, G replaced by A.
Protein change: p.Ala419Thr; replaces alanine 419 with threonine.
Molecular consequence: missense variant. On other transcripts: non-coding transcript variant (2).
Genome position (GRCh38, 1-based): chr2:181,547,631, C>T on the plus strand (G>A on the coding strand, the complement: CERKL is on the minus strand). VCF-style: chr2-181547631-C-T. GRCh37 (hg19) VCF-style: chr2-182412358-C-T.
Other names: c.1333G>A (NM_001030311.2); c.1333G>A, p.Ala445Thr (NM_001030311.3); c.916G>A, p.Ala306Thr (NM_001030312.3); c.1048G>A, p.Ala350Thr (NM_001030313.3); c.*537G>A (NM_001030314.1, NM_001030315.1); c.1201G>A, p.Ala401Thr (NM_001160277.2); short protein forms A350T, A419T, A445T, A306T, A401T.
Identifiers: ClinVar variation 2172507 (VCV002172507.5), dbSNP rs377625662, ClinGen allele CA2010494.

ClinVar aggregate classification (germline): Uncertain significance. Review status: criteria provided, multiple submitters, no conflicts (2 of 4 stars). 3 submissions from 3 submitters: Uncertain significance (3). Last evaluated 2024-09-13.

Conditions:
Retinitis pigmentosa 26 (RP26). Identifiers: Orphanet 791, MedGen C1842127, MONDO:0012024, OMIM 608380.

Allele frequency attached by ClinVar (database versions not stated): gnomAD exomes 0.00001; TOPMed 0.00003; ExAC 0.00004; gnomAD 0.00004; ESP Exome Variant Server 0.00008; 1000 Genomes Project 0.00040; 1000 Genomes Project 30x 0.00047.
gnomAD v4.1: 31 of 1,613,846 alleles (0.0019%); highest among the groups gnomAD compares: Middle Eastern, 0.016%; no homozygotes.

Submissions (3):

Blueprint Genetics
Classification: Uncertain significance. Last evaluated: 2024-09-13. Review status: criteria provided, single submitter. Criteria: ACMG Guidelines, 2015. Collection method: clinical testing. Allele origin: germline.

Labcorp Genetics (formerly Invitae), Labcorp
Classification: Uncertain significance. Last evaluated: 2022-09-27. Review status: criteria provided, single submitter. Criteria: Invitae Variant Classification Sherloc (09022015). Collection method: clinical testing. Allele origin: germline.
Comment: This sequence change replaces alanine, which is neutral and non-polar, with threonine, which is neutral and polar, at codon 445 of the CERKL protein (p.Ala445Thr). This variant is present in population databases (rs377625662, gnomAD 0.02%). This variant has not been reported in the literature in individuals affected with CERKL-related conditions. Advanced modeling of protein sequence and biophysical properties (such as structural, functional, and spatial information, amino acid conservation, physicochemical variation, residue mobility, and thermodynamic stability) performed at Invitae indicates that this missense variant is not expected to disrupt CERKL protein function. In summary, the available evidence is currently insufficient to determine the role of this variant in disease. Therefore, it has been classified as a Variant of Uncertain Significance.

Revvity Omics, Revvity
Classification: Uncertain significance for Retinitis pigmentosa 26. Last evaluated: 2020-11-30. Review status: criteria provided, single submitter. Criteria: ACMG Guidelines, 2015. Collection method: clinical testing. Allele origin: germline.